The following is an entry in ClinVar:

ClinVar aggregate classification (germline): Uncertain significance (1 of 4 stars; one submission).

Conditions:
Inborn genetic diseases. Identifiers: MedGen C0950123, MeSH D030342.

Allele frequency attached by ClinVar (database versions not stated): gnomAD 0.00001; gnomAD exomes 0.00001; TOPMed 0.00002; ExAC 0.00004; ESP Exome Variant Server 0.00008.
gnomAD v4.1: 14 of 1,334,804 alleles (0.001%); highest among the groups gnomAD compares: East Asian, 0.016%; no homozygotes.

Submission:

Ambry Genetics
Classification: Uncertain significance for Inborn genetic diseases. Last evaluated: 2022-05-10. Review status: criteria provided, single submitter. Criteria: Ambry Variant Classification Scheme 2023. Collection method: clinical testing. Allele origin: germline.
Comment: The c.2311+6T>A intronic alteration consists of a T to A substitution nucleotides after coding exon 22 in the ENPP1 gene. Based on insufficient or conflicting evidence, the clinical significance of this alteration remains unclear.

NM_006208.3(ENPP1):c.2311+6T>A

Gene: ENPP1 (ectonucleotide pyrophosphatase/phosphodiesterase 1; plus strand). Cytogenetic location: 6q23.2.
Variant type: single nucleotide variant.
Coding change: c.2311+6T>A on transcript NM_006208.3 (MANE Select); 6 bases into the intron after coding-DNA position 2311, T replaced by A.
Molecular consequence: intron variant.
Genome position (GRCh38, 1-based): chr6:131,883,780, T>A. VCF-style: chr6-131883780-T-A. GRCh37 (hg19) VCF-style: chr6-132204920-T-A.
Identifiers: ClinVar variation 2284860 (VCV002284860.2), dbSNP rs375335648, ClinGen allele CA4002482.